The following is an entry in ClinVar:

ClinVar aggregate classification (germline): Uncertain significance. Review status: criteria provided, multiple submitters, no conflicts (2 of 4 stars). 3 submissions from 3 submitters: Uncertain significance (3). Last evaluated 2025-08-11.

Conditions:
Growth retardation, intellectual developmental disorder, hypotonia, and hepatopathy (GRIDHH). Also called: GROWTH RETARDATION, IMPAIRED INTELLECTUAL DEVELOPMENT, HYPOTONIA, AND HEPATOPATHY. Identifiers: Orphanet 541423, MedGen C4310720, MONDO:0014911, OMIM 617093.

Allele frequency attached by ClinVar (database versions not stated): TOPMed 0.00030; ESP Exome Variant Server 0.00038; 1000 Genomes Project 0.00060; 1000 Genomes Project 30x 0.00078.
gnomAD v4.1: 82 of 1,610,114 alleles (0.0051%); highest among the groups gnomAD compares: African/African-American, 0.091%; no homozygotes.

Submissions (3):

Ambry Genetics
Classification: Uncertain significance. Last evaluated: 2025-08-11. Review status: criteria provided, single submitter. Criteria: Ambry Variant Classification Scheme 2023. Collection method: clinical testing. Allele origin: germline.

Labcorp Genetics (formerly Invitae), Labcorp
Classification: Uncertain significance. Last evaluated: 2022-10-19. Review status: criteria provided, single submitter. Criteria: Invitae Variant Classification Sherloc (09022015). Collection method: clinical testing. Allele origin: germline.
Comment: This sequence change replaces alanine, which is neutral and non-polar, with glycine, which is neutral and non-polar, at codon 222 of the IARS protein (p.Ala222Gly). This variant is present in population databases (rs148530218, gnomAD 0.1%). This variant has not been reported in the literature in individuals affected with IARS-related conditions. ClinVar contains an entry for this variant (Variation ID: 1033901). Algorithms developed to predict the effect of missense changes on protein structure and function are either unavailable or do not agree on the potential impact of this missense change (SIFT: "Deleterious"; PolyPhen-2: "Benign"; Align-GVGD: "Class C0"). In summary, the available evidence is currently insufficient to determine the role of this variant in disease. Therefore, it has been classified as a Variant of Uncertain Significance.

Baylor Genetics
Classification: Uncertain significance for Growth retardation, intellectual developmental disorder, hypotonia, and hepatopathy. Last evaluated: 2018-06-18. Review status: criteria provided, single submitter. Criteria: ACMG Guidelines, 2015. Collection method: clinical testing. Allele origin: maternal. Affected: yes.
Comment: This variant was determined to be of uncertain significance according to ACMG Guidelines, 2015 [PMID:25741868].

NM_002161.6(IARS1):c.665C>G (p.Ala222Gly)

Gene: IARS1 (isoleucyl-tRNA synthetase 1; minus strand). Cytogenetic location: 9q22.31.
Variant type: single nucleotide variant.
Coding change: c.665C>G on transcript NM_002161.6 (MANE Select); coding-DNA position 665, C replaced by G.
Protein change: p.Ala222Gly; replaces alanine 222 with glycine.
Molecular consequence: missense variant. On other transcripts: non-coding transcript variant (1).
Genome position (GRCh38, 1-based): chr9:92,280,826, G>C on the plus strand (C>G on the coding strand, the complement: IARS1 is on the minus strand). VCF-style: chr9-92280826-G-C. GRCh37 (hg19) VCF-style: chr9-95043108-G-C.
Other names: c.665C>G (NM_013417.2); c.665C>G, p.Ala222Gly (NM_001374299.1, NM_001374300.1, NM_001374301.1 and 15 more transcripts); c.728C>G, p.Ala243Gly (NM_001378569.1); c.542C>G, p.Ala181Gly (NM_001378583.1); short protein forms A181G, A243G, A222G.
Identifiers: ClinVar variation 1033901 (VCV001033901.4), dbSNP rs148530218, ClinGen allele CA5122894.